The following is an entry in ClinVar:

ClinVar aggregate classification (germline): Uncertain significance. Review status: criteria provided, multiple submitters, no conflicts (2 of 4 stars). 4 submissions from 4 submitters: Uncertain significance (4). Last evaluated 2026-07-27.

Conditions:
BAG3-related disorder. Also called: BAG3-related condition.
Cardiovascular phenotype. Identifiers: MedGen CN230736.
Dilated cardiomyopathy 1HH (CMD1HH). Identifiers: Orphanet 154, MedGen C3151293, MONDO:0013479, OMIM 613881.
Myofibrillar myopathy 6. Identifiers: Orphanet 199340, MedGen C2751831, MONDO:0013061, OMIM 612954.

Allele frequency attached by ClinVar (database versions not stated): gnomAD exomes below 0.00001; gnomAD 0.00001; TOPMed 0.00002.

Submissions (4):

PreventionGenetics, part of Exact Sciences
Classification: Uncertain significance for BAG3-related condition. Last evaluated: 2026-07-27. Review status: criteria provided, single submitter. Criteria: ACMG Guidelines, 2015. Collection method: clinical testing. Allele origin: germline.
Comment: The BAG3 c.542C>T variant is predicted to result in the amino acid substitution p.Ser181Phe. To our knowledge, this variant has not been reported in the literature in individuals with BAG3-related disorders or in a large population database (gnomAD), indicating this variant is rare. At this time, the clinical significance of this variant is uncertain due to the absence of conclusive functional and genetic evidence.

Labcorp Genetics (formerly Invitae), Labcorp
Classification: Uncertain significance for Dilated cardiomyopathy 1HH; Myofibrillar myopathy 6. Last evaluated: 2025-11-15. Review status: criteria provided, single submitter. Criteria: Invitae Variant Classification Sherloc (09022015). Collection method: clinical testing. Allele origin: germline.
Comment: This sequence change replaces serine, which is neutral and polar, with phenylalanine, which is neutral and non-polar, at codon 181 of the BAG3 protein (p.Ser181Phe). This variant is not present in population databases (gnomAD no frequency). This variant has not been reported in the literature in individuals affected with BAG3-related conditions. ClinVar contains an entry for this variant (Variation ID: 518577). Invitae Evidence Modeling of protein sequence and biophysical properties (such as structural, functional, and spatial information, amino acid conservation, physicochemical variation, residue mobility, and thermodynamic stability) indicates that this missense variant is not expected to disrupt BAG3 protein function with a negative predictive value of 80%. In summary, the available evidence is currently insufficient to determine the role of this variant in disease. Therefore, it has been classified as a Variant of Uncertain Significance.

Ambry Genetics
Classification: Uncertain significance for Cardiovascular phenotype. Last evaluated: 2025-04-07. Review status: criteria provided, single submitter. Criteria: Ambry Variant Classification Scheme 2023. Collection method: clinical testing. Allele origin: germline.
Comment: The p.S181F variant (also known as c.542C>T), located in coding exon 3 of the BAG3 gene, results from a C to T substitution at nucleotide position 542. The serine at codon 181 is replaced by phenylalanine, an amino acid with highly dissimilar properties. This amino acid position is not well conserved in available vertebrate species. In addition, the in silico prediction for this alteration is inconclusive. Since supporting evidence is limited at this time, the clinical significance of this alteration remains unclear.

Revvity Omics, Revvity
Classification: Uncertain significance. Last evaluated: 2020-06-26. Review status: criteria provided, single submitter. Criteria: ACMG Guidelines, 2015. Collection method: clinical testing. Allele origin: germline.

NM_004281.4(BAG3):c.542C>T (p.Ser181Phe)

Gene: BAG3 (BAG cochaperone 3; plus strand). Cytogenetic location: 10q26.11.
Variant type: single nucleotide variant.
Coding change: c.542C>T on transcript NM_004281.4 (MANE Select); coding-DNA position 542, C replaced by T.
Protein change: p.Ser181Phe; replaces serine 181 with phenylalanine.
Molecular consequence: missense variant.
Genome position (GRCh38, 1-based): chr10:119,672,289, C>T. VCF-style: chr10-119672289-C-T. GRCh37 (hg19) VCF-style: chr10-121431801-C-T.
Other names: short protein forms S181F.
Identifiers: ClinVar variation 518577 (VCV000518577.19), dbSNP rs1482925321, ClinGen allele CA378295306.